The following is an entry in ClinVar:

ClinVar aggregate classification (germline): Benign (0 of 4 stars; one submission).

Conditions:
ATP2A3-related disorder. Also called: ATP2A3-related condition.

Allele frequency attached by ClinVar (database versions not stated): 1000 Genomes Project 0.14796; 1000 Genomes Project 30x 0.15459; TOPMed 0.21166; ESP Exome Variant Server 0.22282.
gnomAD v4.1: 369,967 of 1,613,818 alleles (23%); highest among the groups gnomAD compares: Non-Finnish European, 25%; 44,793 homozygotes.

Submission:

PreventionGenetics, part of Exact Sciences
Classification: Benign for ATP2A3-related condition. Last evaluated: 2019-10-31. Review status: no assertion criteria provided. Collection method: clinical testing. Allele origin: germline.
Comment: This variant is classified as benign based on ACMG/AMP sequence variant interpretation guidelines (Richards et al. 2015 PMID: 25741868, with internal and published modifications).

NM_005173.4(ATP2A3):c.1707G>C (p.Ala569=)

Gene: ATP2A3 (ATPase sarcoplasmic/endoplasmic reticulum Ca2+ transporting 3; minus strand). Cytogenetic location: 17p13.2.
Variant type: single nucleotide variant.
Coding change: c.1707G>C on transcript NM_005173.4 (MANE Select); coding-DNA position 1707, G replaced by C.
Protein change: p.Ala569=; no amino-acid change (alanine 569 retained).
Molecular consequence: synonymous variant.
Genome position (GRCh38, 1-based): chr17:3,941,493, C>G on the plus strand (G>C on the coding strand, the complement: ATP2A3 is on the minus strand). VCF-style: chr17-3941493-C-G. GRCh37 (hg19) VCF-style: chr17-3844787-C-G.
Other names: c.1707G>C, p.Ala569= (NM_174953.3, NM_174954.3, NM_174955.3 and 3 more transcripts).
Identifiers: ClinVar variation 3059794 (VCV003059794.2), dbSNP rs1800912, ClinGen allele CA8297096.